The following is an entry in ClinVar:

NM_000455.5(STK11):c.132G>A (p.Lys44=)

Gene: STK11 (serine/threonine kinase 11; plus strand). Cytogenetic location: 19p13.3.
Variant type: single nucleotide variant.
Coding change: c.132G>A on transcript NM_000455.5 (MANE Select); coding-DNA position 132, G replaced by A.
Protein change: p.Lys44=; no amino-acid change (lysine 44 retained).
Molecular consequence: synonymous variant. On other transcripts: non-coding transcript variant (1).
Genome position (GRCh38, 1-based): chr19:1,207,045, G>A. VCF-style: chr19-1207045-G-A. GRCh37 (hg19) VCF-style: chr19-1207044-G-A.
Other names: c.132G>A, p.Lys44= (NM_001407255.1).
Identifiers: ClinVar variation 3904022 (VCV003904022.1).

ClinVar aggregate classification (germline): Benign (1 of 4 stars; one submission).

Conditions:
Peutz-Jeghers syndrome (PJS). Also called: POLYPOSIS, HAMARTOMATOUS INTESTINAL; POLYPS-AND-SPOTS SYNDROME; Peutz-Jeghers polyposis; Periorificial lentiginosis syndrome. Identifiers: Orphanet 2869, MedGen C0031269, MeSH D010580, MONDO:0008280, OMIM 175200.

gnomAD v4.1: 1 of 1,613,902 alleles (0.000062%); highest among the groups gnomAD compares: South Asian, 0.0011%; no homozygotes.

Submission:

Myriad Genetics, Inc.
Classification: Benign for Peutz-Jeghers syndrome. Last evaluated: 2025-03-25. Review status: criteria provided, single submitter. Criteria: Myriad Autosomal Dominant, Autosomal Recessive and X-Linked Classification Criteria (2023). Collection method: clinical testing. Allele origin: unknown.
Comment: This variant is considered benign. This variant is a silent/synonymous amino acid change and it is not expected to impact splicing.